The following is an entry in ClinVar:

ClinVar aggregate classification (germline): Benign/Likely benign. Review status: criteria provided, multiple submitters, no conflicts (2 of 4 stars). 5 submissions from 5 submitters: Benign (1); Likely benign (4). Last evaluated 2025-07-09.

Conditions:
Hereditary cancer-predisposing syndrome. Also called: Tumor predisposition; Neoplastic Syndromes, Hereditary; Hereditary Cancer Syndrome; Hereditary neoplastic syndrome. Identifiers: Orphanet 140162, MedGen C0027672, MeSH D009386, MONDO:0015356.
Juvenile polyposis syndrome (JPS). Identifiers: Orphanet 2929, MedGen C0345893, MONDO:0017380, OMIM 174900.

Allele frequency attached by ClinVar (database versions not stated): gnomAD exomes below 0.00001; TOPMed below 0.00001; ExAC 0.00001.
gnomAD v4.1: 3 of 1,613,268 alleles (0.00019%); highest among the groups gnomAD compares: Non-Finnish European, 0.00017%; no homozygotes.

Submissions (5):

Labcorp Genetics (formerly Invitae), Labcorp
Classification: Likely benign for Juvenile polyposis syndrome. Last evaluated: 2025-07-09. Review status: criteria provided, single submitter. Criteria: Invitae Variant Classification Sherloc (09022015). Collection method: clinical testing. Allele origin: germline.

Myriad Genetics, Inc.
Classification: Benign for Juvenile polyposis syndrome. Last evaluated: 2024-08-06. Review status: criteria provided, single submitter. Criteria: Myriad Autosomal Dominant, Autosomal Recessive and X-Linked Classification Criteria (2023). Collection method: clinical testing. Allele origin: unknown.
Comment: This variant is considered benign. This variant is a silent/synonymous amino acid change and it is not expected to impact splicing.

All of Us Research Program, National Institutes of Health
Classification: Likely benign for Juvenile polyposis syndrome. Last evaluated: 2023-12-18. Review status: criteria provided, single submitter. Criteria: ACMG Guidelines, 2015. Collection method: clinical testing. Allele origin: germline. Inheritance: Autosomal dominant inheritance. Observed: 2 variant alleles, 2 heterozygotes.
Comment: This study involves interpretation of variants in research participants for the purpose of population health screening. Participant phenotype was not available at the time of variant classification. Additional details can be found in publication PMID: 35346344, PMCID: PMC8962531

Color Diagnostics, LLC DBA Color Health
Classification: Likely benign for Hereditary cancer-predisposing syndrome. Last evaluated: 2018-03-22. Review status: criteria provided, single submitter. Criteria: ACMG Guidelines, 2015. Collection method: clinical testing. Allele origin: germline.

Ambry Genetics
Classification: Likely benign for Hereditary cancer-predisposing syndrome. Last evaluated: 2018-02-21. Review status: criteria provided, single submitter. Criteria: Ambry Variant Classification Scheme 2023. Collection method: clinical testing. Allele origin: germline.

NM_004329.3(BMPR1A):c.1107C>T (p.Leu369=)

Gene: BMPR1A (bone morphogenetic protein receptor type 1A; plus strand). Cytogenetic location: 10q23.2.
Variant type: single nucleotide variant.
Coding change: c.1107C>T on transcript NM_004329.3 (MANE Select); coding-DNA position 1107, C replaced by T.
Protein change: p.Leu369=; no amino-acid change (leucine 369 retained).
Molecular consequence: synonymous variant.
Genome position (GRCh38, 1-based): chr10:86,919,410, C>T. VCF-style: chr10-86919410-C-T. GRCh37 (hg19) VCF-style: chr10-88679167-C-T.
Identifiers: ClinVar variation 627844 (VCV000627844.19), dbSNP rs761569881, ClinGen allele CA5585653.